The following is an entry in ClinVar:

NM_001386298.1(CIC):c.3933A>G (p.Ala1311=)

Gene: CIC (capicua transcriptional repressor; plus strand). Cytogenetic location: 19q13.2.
Variant type: single nucleotide variant.
Coding change: c.3933A>G on transcript NM_001386298.1 (MANE Select); coding-DNA position 3933, A replaced by G.
Protein change: p.Ala1311=; no amino-acid change (alanine 1311 retained).
Molecular consequence: synonymous variant.
Genome position (GRCh38, 1-based): chr19:42,289,252, A>G. VCF-style: chr19-42289252-A-G. GRCh37 (hg19) VCF-style: chr19-42793404-A-G.
Other names: c.3933A>G, p.Ala1311= (NM_001304815.2, NM_001379480.1, NM_001379482.1); c.1206A>G, p.Ala402= (NM_001379484.1, NM_001379485.1, NM_015125.5).
Identifiers: ClinVar variation 784396 (VCV000784396.11), dbSNP rs112950169, ClinGen allele CA9471929.
Genomic context (GRCh38, chr19:42,289,252, plus strand): 5'-CCCTGCATCGTACTCTGGCCCAAAGCCTTCTACCCAGTATGGAGCTCCAGGACCCTTTGC[A>G]GCCCCTGGTGAGGGAGGTGCCTTGGCGGCCACTGGGCGGCCCCCGCTGCTGCCCACCCGA-3'
Protein context (NP_001373227.1, residues 1301-1321): STQYGAPGPF[Ala1311=]APGEGGALAA

ClinVar aggregate classification (germline): Benign/Likely benign. Review status: criteria provided, multiple submitters, no conflicts (2 of 4 stars). 5 submissions from 5 submitters: Benign (3); Likely benign (1). 1 of the submissions does not count toward it. Last evaluated 2026-08-01.

Conditions:
CIC-related disorder. Also called: CIC-related condition.
Intellectual developmental disorder, autosomal dominant 45. Also called: Intellectual disability, autosomal dominant 45; MENTAL RETARDATION, AUTOSOMAL DOMINANT 45. Identifiers: MedGen C4539848, MONDO:0030910, OMIM 617600.

Allele frequency attached by ClinVar (database versions not stated): gnomAD exomes 0.00028 and 0.00072; ExAC 0.00105; gnomAD 0.00325 and 0.00333; TOPMed 0.00351; ESP Exome Variant Server 0.00400; 1000 Genomes Project 30x 0.00422; 1000 Genomes Project 0.00479.
gnomAD v4.1: 1,002 of 1,613,716 alleles (0.062%); highest among the groups gnomAD compares: African/African-American, 1.1%; 25 homozygotes.

Submissions (5):

CeGaT Center for Human Genetics Tuebingen
Classification: Benign. Last evaluated: 2026-08-01. Review status: criteria provided, single submitter. Criteria: CeGaT Center For Human Genetics Tuebingen Variant Classification Criteria Version 2. Collection method: clinical testing. Allele origin: germline. Affected: yes. Observed: 2 variant alleles.
Comment: CIC: BP4, BP7, BS1, BS2

Fulgent Genetics
Classification: Likely benign for Intellectual developmental disorder, autosomal dominant 45. Last evaluated: 2021-09-13. Review status: criteria provided, single submitter. Criteria: ACMG Guidelines, 2015. Collection method: clinical testing. Allele origin: unknown.

Labcorp Genetics (formerly Invitae), Labcorp
Classification: Benign. Last evaluated: 2018-05-30. Review status: criteria provided, single submitter. Criteria: Invitae Variant Classification Sherloc (09022015). Collection method: clinical testing. Allele origin: germline.

Breakthrough Genomics
Classification: Benign. Review status: criteria provided, single submitter. Criteria: ACMG Guidelines, 2015. Collection method: not provided. Allele origin: germline. Inheritance: Autosomal dominant inheritance. Affected: yes.

PreventionGenetics, part of Exact Sciences
Classification: Benign for CIC-related condition. Last evaluated: 2019-04-29. Review status: no assertion criteria provided. Collection method: clinical testing. Allele origin: germline. Not counted in ClinVar's aggregate classification.
Comment: This variant is classified as benign based on ACMG/AMP sequence variant interpretation guidelines (Richards et al. 2015 PMID: 25741868, with internal and published modifications).